The following is an entry in ClinVar:

NM_014363.6(SACS):c.7149C>T (p.Arg2383=)

Gene: SACS (sacsin molecular chaperone; minus strand). Cytogenetic location: 13q12.12.
Variant type: single nucleotide variant.
Coding change: c.7149C>T on transcript NM_014363.6 (MANE Select); coding-DNA position 7149, C replaced by T.
Protein change: p.Arg2383=; no amino-acid change (arginine 2383 retained).
Molecular consequence: synonymous variant.
Genome position (GRCh38, 1-based): chr13:23,336,727, G>A on the plus strand (C>T on the coding strand, the complement: SACS is on the minus strand). VCF-style: chr13-23336727-G-A. GRCh37 (hg19) VCF-style: chr13-23910866-G-A.
Other names: c.6708C>T, p.Arg2236= (NM_001278055.2).
Identifiers: ClinVar variation 458273 (VCV000458273.28), dbSNP rs17078608, ClinGen allele CA6910964.

ClinVar aggregate classification (germline): Benign/Likely benign. Review status: criteria provided, multiple submitters, no conflicts (2 of 4 stars). 8 submissions from 8 submitters: Benign (2); Likely benign (4). 2 of the submissions do not count toward it. Last evaluated 2026-01-31.

Conditions:
Spastic paraplegia. Identifiers: MedGen C0037772, HP:0001258.
Hereditary spastic paraplegia. Also called: Familial spastic paraparesis. Identifiers: Orphanet 685, MedGen C0037773, MONDO:0019064. Disease mechanism: loss of function.
Charlevoix-Saguenay spastic ataxia (SACS). Also called: SPASTIC ATAXIA 6, AUTOSOMAL RECESSIVE; AUTOSOMAL RECESSIVE SPASTIC ATAXIA OF CHARLEVOIX-SAGUENAY; Spastic ataxia of Charlevoix-Saguenay. Identifiers: Orphanet 98, MedGen C1849140, MONDO:0010041, OMIM 270550.

Allele frequency attached by ClinVar (database versions not stated): gnomAD exomes 0.00406 and 0.00724; ExAC 0.00772; TOPMed 0.01124; ESP Exome Variant Server 0.01169; 1000 Genomes Project 30x 0.01218; 1000 Genomes Project 0.01298; gnomAD 0.01299 and 0.01409.
gnomAD v4.1: 7,946 of 1,613,684 alleles (0.49%); highest among the groups gnomAD compares: African/African-American, 3.2%; 92 homozygotes.

Submissions (8):

Labcorp Genetics (formerly Invitae), Labcorp
Classification: Benign for Spastic paraplegia. Last evaluated: 2026-01-31. Review status: criteria provided, single submitter. Criteria: Invitae Variant Classification Sherloc (09022015). Collection method: clinical testing. Allele origin: germline.

Athena Diagnostics
Classification: Benign. Last evaluated: 2024-04-11. Review status: criteria provided, single submitter. Criteria: Athena Diagnostics Criteria. Collection method: clinical testing. Allele origin: unknown.

Genome Diagnostics Laboratory, The Hospital for Sick Children
Classification: Likely benign for Hereditary spastic paraplegia. Last evaluated: 2021-05-07. Review status: criteria provided, single submitter. Criteria: ACMG Guidelines, 2015. Collection method: clinical testing. Allele origin: germline. Affected: yes.

GeneDx
Classification: Likely benign. Last evaluated: 2020-11-01. Review status: criteria provided, single submitter. Criteria: GeneDx Variant Classification Process June 2021. Collection method: clinical testing. Allele origin: germline. Affected: yes.

Illumina Laboratory Services, Illumina
Classification: Likely benign for Charlevoix-Saguenay spastic ataxia. Last evaluated: 2017-04-27. Review status: criteria provided, single submitter. Criteria: ICSL Variant Classification Criteria 13 December 2019. Collection method: clinical testing. Allele origin: germline.
Comment: This variant was observed as part of a predisposition screen in an ostensibly healthy population. A literature search was performed for the gene, cDNA change, and amino acid change (where applicable). Publications were found based on this search. The evidence from the literature, in combination with allele frequency data from public databases where available, was sufficient to determine this variant is unlikely to cause disease. Therefore, this variant is classified as likely benign.

Breakthrough Genomics
Classification: Likely benign. Review status: criteria provided, single submitter. Criteria: ACMG Guidelines, 2015. Collection method: not provided. Allele origin: germline. Inheritance: Autosomal recessive inheritance. Affected: yes.

Natera, Inc.
Classification: Benign for Charlevoix-Saguenay type spastic ataxia. Last evaluated: 2020-09-16. Review status: no assertion criteria provided. Collection method: clinical testing. Allele origin: germline. Not counted in ClinVar's aggregate classification.

Mayo Clinic Laboratories, Mayo Clinic
Classification: Benign. Last evaluated: 2016-02-29. Review status: no assertion criteria provided. Collection method: clinical testing. Allele origin: unknown. Not counted in ClinVar's aggregate classification.

Literature cited by the submitters: PubMed 19779133 (cited by Athena Diagnostics and Illumina Laboratory Services, Illumina).